The following is an entry in ClinVar:

NM_020732.3:c.3126C>T

Gene: ARID1B (AT-rich interaction domain 1B; plus strand).
Variant type: single nucleotide variant.
Other names: c.3126C>T (NM_020732.3).
Identifiers: ClinVar variation 4083467 (VCV004083467.1).

ClinVar aggregate classification (germline): Uncertain significance (1 of 4 stars; one submission).

Submission:

GeneDx
Classification: Uncertain significance. Last evaluated: 2025-03-05. Review status: criteria provided, single submitter. Criteria: GeneDx Variant Classification Process June 2021. Collection method: clinical testing. Allele origin: germline. Affected: yes.
Comment: De novo variant in a patient from a cohort of individuals with developmental disorders who underwent exome sequencing (PMID: 33057194); Not observed at significant frequency in large population cohorts (gnomAD); In silico analysis supports a deleterious effect on splicing; This variant is associated with the following publications: (PMID: 35982159, 33057194)